The following is an entry in ClinVar:

NC_000007.13:g.(?_107312563)_(107312713_?)del

Gene: SLC26A4 (solute carrier family 26 member 4; plus strand). Cytogenetic location: 7q22.3.
Variant type: Deletion.
Identifiers: ClinVar variation 3245846 (VCV003245846.1).

ClinVar aggregate classification (germline): Pathogenic (1 of 4 stars; one submission).

Submission:

Labcorp Genetics (formerly Invitae), Labcorp
Classification: Pathogenic. Last evaluated: 2023-01-01. Review status: criteria provided, single submitter. Criteria: Invitae Variant Classification Sherloc (09022015). Collection method: clinical testing. Allele origin: unknown.
Comment: For these reasons, this variant has been classified as Pathogenic. This variant disrupts a region of the SLC26A4 protein in which other variant(s) (p.Val138Phe) have been determined to be pathogenic (PMID: 9618166, 11932316, 12788906, 21551164, 23273637, 24224479, 26969326). This suggests that this is a clinically significant region of the protein, and that variants that disrupt it are likely to be disease-causing. This variant has not been reported in the literature in individuals affected with SLC26A4-related conditions. This variant is a gross deletion of the genomic region encompassing exon(s) 4 of the SLC26A4 gene. This variant would be expected to be in-frame, preserving the integrity of the reading frame.

Literature cited by the submitters: PubMed 9618166; PubMed 11932316; PubMed 12788906; PubMed 21551164; PubMed 23273637; PubMed 24224479; PubMed 26969326.